The following is an entry in ClinVar:

NM_003737.4(DCHS1):c.6731+3G>A

Gene: DCHS1 (dachsous cadherin-related 1; minus strand). Cytogenetic location: 11p15.4.
Variant type: single nucleotide variant.
Coding change: c.6731+3G>A on transcript NM_003737.4 (MANE Select); 3 bases into the intron after coding-DNA position 6731, G replaced by A.
Molecular consequence: intron variant.
Genome position (GRCh38, 1-based): chr11:6,625,917, C>T on the plus strand (G>A on the coding strand, the complement: DCHS1 is on the minus strand). VCF-style: chr11-6625917-C-T. GRCh37 (hg19) VCF-style: chr11-6647148-C-T.
Identifiers: ClinVar variation 2801079 (VCV002801079.3), dbSNP rs1036805027, ClinGen allele CA217330462.

ClinVar aggregate classification (germline): Uncertain significance (1 of 4 stars; one submission).

Allele frequency attached by ClinVar (database versions not stated): TOPMed 0.00001.

Submission:

Labcorp Genetics (formerly Invitae), Labcorp
Classification: Uncertain significance. Last evaluated: 2025-06-12. Review status: criteria provided, single submitter. Criteria: Invitae Variant Classification Sherloc (09022015). Collection method: clinical testing. Allele origin: germline.
Comment: This sequence change falls in intron 17 of the DCHS1 gene. It does not directly change the encoded amino acid sequence of the DCHS1 protein. It affects a nucleotide within the consensus splice site. This variant is not present in population databases (gnomAD no frequency). This variant has not been reported in the literature in individuals affected with DCHS1-related conditions. ClinVar contains an entry for this variant (Variation ID: 2801079). Variants that disrupt the consensus splice site are a relatively common cause of aberrant splicing (PMID: 17576681, 9536098). Algorithms developed to predict the effect of sequence changes on RNA splicing suggest that this variant is not likely to affect RNA splicing. In summary, the available evidence is currently insufficient to determine the role of this variant in disease. Therefore, it has been classified as a Variant of Uncertain Significance.

Literature cited by the submitters: PubMed 17576681; PubMed 9536098.